The following is an entry in ClinVar:

NM_000152.5(GAA):c.546+6C>T

Gene: GAA (alpha glucosidase; plus strand). Cytogenetic location: 17q25.3.
Variant type: single nucleotide variant.
Coding change: c.546+6C>T on transcript NM_000152.5 (MANE Select); 6 bases into the intron after coding-DNA position 546, C replaced by T.
Molecular consequence: intron variant.
Genome position (GRCh38, 1-based): chr17:80,105,138, C>T. VCF-style: chr17-80105138-C-T. GRCh37 (hg19) VCF-style: chr17-78078937-C-T.
Other names: c.546+6C>T (NM_000152.4, LRG_673t1, NM_001079803.3 and 1 more transcripts).
Identifiers: ClinVar variation 284357 (VCV000284357.17), dbSNP rs375727055, ClinGen allele CA8814902.

ClinVar aggregate classification (germline): Uncertain significance. Review status: criteria provided, multiple submitters, no conflicts (2 of 4 stars). 6 submissions from 6 submitters: Uncertain significance (5). 1 of the submissions does not count toward it. Last evaluated 2023-07-21.

Conditions:
Glycogen storage disease, type II (IOPD). Also called: Glucosidase acid-1,4-alpha deficiency; Glycogen storage disease type 2; Acid maltase deficiency disease; Aglucosidase alfa; Deficiency of alpha-glucosidase; Deficiency of lysosomal alpha-glucosidase. Identifiers: Orphanet 365, MedGen C0017921, MONDO:0009290, OMIM 232300.

Allele frequency attached by ClinVar (database versions not stated): gnomAD exomes 0.00001 and 0.00003; ExAC 0.00002; gnomAD 0.00008 and 0.00009; TOPMed 0.00008; ESP Exome Variant Server 0.00016.

Submissions (6):

Women's Health and Genetics/Laboratory Corporation of America, LabCorp
Classification: Uncertain significance. Last evaluated: 2023-07-21. Review status: criteria provided, single submitter. Criteria: LabCorp Variant Classification Summary - May 2015. Collection method: clinical testing. Allele origin: germline.
Comment: Variant summary: GAA c.546+6C>T alters a non-conserved nucleotide located close to a canonical splice site and therefore could affect mRNA splicing, leading to a significantly altered protein sequence. 4/4 computational tools predict either no significant impact on normal splicing or strengthening of the canonical 5' splicing donor site. However, these predictions have yet to be confirmed by functional studies. The variant allele was found at a frequency of 2.6e-05 in 235214 control chromosomes (gnomAD). The available data on variant occurrences in the general population are insufficient to allow any conclusion about variant significance. To our knowledge, no occurrence of c.546+6C>T in individuals affected with Glycogen Storage Disease, Type 2 (Pompe Disease) and no experimental evidence demonstrating its impact on protein function have been reported. Five submitters have cited clinical-significance assessments for this variant to ClinVar after 2014. All submitters classified the variant as uncertain significance. Based on the evidence outlined above, the variant was classified as uncertain significance.

Labcorp Genetics (formerly Invitae), Labcorp
Classification: Uncertain significance for Glycogen storage disease, type II. Last evaluated: 2022-09-27. Review status: criteria provided, single submitter. Criteria: Invitae Variant Classification Sherloc (09022015). Collection method: clinical testing. Allele origin: germline.
Comment: This sequence change falls in intron 2 of the GAA gene. It does not directly change the encoded amino acid sequence of the GAA protein. It affects a nucleotide within the consensus splice site. This variant is present in population databases (rs375727055, gnomAD 0.03%). This variant has not been reported in the literature in individuals affected with GAA-related conditions. ClinVar contains an entry for this variant (Variation ID: 284357). Variants that disrupt the consensus splice site are a relatively common cause of aberrant splicing (PMID: 17576681, 9536098). Algorithms developed to predict the effect of sequence changes on RNA splicing suggest that this variant is not likely to affect RNA splicing. In summary, the available evidence is currently insufficient to determine the role of this variant in disease. Therefore, it has been classified as a Variant of Uncertain Significance.

Fulgent Genetics
Classification: Uncertain significance for Glycogen storage disease, type II. Last evaluated: 2021-09-20. Review status: criteria provided, single submitter. Criteria: ACMG Guidelines, 2015. Collection method: clinical testing. Allele origin: unknown.

Genome-Nilou Lab
Classification: Uncertain significance for Glycogen storage disease, type II. Last evaluated: 2021-09-05. Review status: criteria provided, single submitter. Criteria: ACMG Guidelines, 2015. Collection method: clinical testing. Allele origin: germline. Affected: no.

Eurofins Ntd Llc (ga)
Classification: Uncertain significance. Last evaluated: 2015-11-07. Review status: criteria provided, single submitter. Criteria: EGL Classification Definitions 2015. Collection method: clinical testing. Allele origin: germline. Observed: 1 variant allele, 1 heterozygote.

Natera, Inc.
Classification: Uncertain significance for Glycogen storage disease type II. Last evaluated: 2019-10-28. Review status: no assertion criteria provided. Collection method: clinical testing. Allele origin: germline. Not counted in ClinVar's aggregate classification.

Literature cited by the submitters: PubMed 17576681 (cited by Labcorp Genetics (formerly Invitae), Labcorp); PubMed 9536098 (cited by Labcorp Genetics (formerly Invitae), Labcorp).